The following is an entry in ClinVar:

ClinVar aggregate classification (germline): Pathogenic (1 of 4 stars; one submission).

Conditions:
Neurofibromatosis, type 1 (NF1). Also called: Peripheral type neurofibromatosis; VON RECKLINGHAUSEN DISEASE; Neurofibromatosis, type I; NEUROFIBROMATOSIS, TYPE I, SOMATIC. Identifiers: Orphanet 636, MedGen C0027831, MONDO:0018975, OMIM 162200. Disease mechanism: loss of function.

Submission:

Labcorp Genetics (formerly Invitae), Labcorp
Classification: Pathogenic for Neurofibromatosis, type 1. Last evaluated: 2024-05-02. Review status: criteria provided, single submitter. Criteria: Invitae Variant Classification Sherloc (09022015). Collection method: clinical testing. Allele origin: germline.
Comment: This sequence change creates a premature translational stop signal (p.His1805Leufs*37) in the NF1 gene. It is expected to result in an absent or disrupted protein product. Loss-of-function variants in NF1 are known to be pathogenic (PMID: 10712197, 23913538). This variant is not present in population databases (gnomAD no frequency). This variant has not been reported in the literature in individuals affected with NF1-related conditions. For these reasons, this variant has been classified as Pathogenic.

Literature cited by the submitters: PubMed 10712197; PubMed 23913538.

NM_001042492.3(NF1):c.5477del (p.His1826fs)

Gene: NF1 (neurofibromin 1; plus strand). Cytogenetic location: 17q11.2.
Variant type: Deletion.
Coding change: c.5477del on transcript NM_001042492.3 (MANE Select); coding-DNA position 5477, one base deleted (A; older notation c.5477delA).
Protein change: p.His1826fs; shifts the reading frame from histidine 1826.
Molecular consequence: frameshift variant.
Genome position (GRCh38, 1-based): chr17:31,327,707, A deleted. VCF-style (leftmost placement, unchanged base first): chr17-31327706-CA-C. GRCh37 (hg19) VCF-style: chr17-29654724-CA-C.
Other names: c.5414delA, p.His1805Leufs (NM_000267.4); short protein forms H1805fs, H1826fs.
Identifiers: ClinVar variation 3651961 (VCV003651961.2).